The following is an entry in ClinVar:

NM_001042702.5(PJVK):c.1028G>C (p.Cys343Ser)

Gene: PJVK (pejvakin; plus strand). Cytogenetic location: 2q31.2.
Variant type: single nucleotide variant.
Coding change: c.1028G>C on transcript NM_001042702.5 (MANE Select); coding-DNA position 1028, G replaced by C.
Protein change: p.Cys343Ser; replaces cysteine 343 with serine.
Molecular consequence: missense variant.
Genome position (GRCh38, 1-based): chr2:178,461,243, G>C. VCF-style: chr2-178461243-G-C. GRCh37 (hg19) VCF-style: chr2-179325970-G-C.
Other names: c.1037G>C, p.Cys346Ser (NM_001353775.2); c.1034G>C, p.Cys345Ser (NM_001353776.2); c.551G>C, p.Cys184Ser (NM_001353777.1, NM_001353778.2); c.1028G>C, p.Cys343Ser (NM_001369912.1); short protein forms C343S, C346S, C345S, C184S.
Identifiers: ClinVar variation 2720001 (VCV002720001.5), dbSNP rs569088856, ClinGen allele CA1984339.
Genomic context (GRCh38, chr2:178,461,243, plus strand): 5'-ATGGGTGCTTTCAGTGTTCTGTTGATGGTCAGAAGTATGTGAGACTTCATGCAGTTCCTT[G>C]TTTTGATATTTGGCACAAGAGGATGAAATAAAATGAAAAATGAATACACCGTGTTGGTGT-3'
Protein context (NP_001036167.1, residues 333-352): QKYVRLHAVP[Cys343Ser]FDIWHKRMK

ClinVar aggregate classification (germline): Pathogenic. Review status: criteria provided, multiple submitters, no conflicts (2 of 4 stars). 3 submissions from 3 submitters: Pathogenic (3). Last evaluated 2024-05-30.

Conditions:
Autosomal recessive nonsyndromic hearing loss 59. Identifiers: Orphanet 90636, MedGen C1857744, MONDO:0012445, OMIM 610220.

Allele frequency attached by ClinVar (database versions not stated): gnomAD exomes 0.00001; TOPMed 0.00001; ExAC 0.00003; gnomAD 0.00004; 1000 Genomes Project 30x 0.00031; 1000 Genomes Project 0.00040.
gnomAD v4.1: 19 of 1,614,098 alleles (0.0012%); highest among the groups gnomAD compares: South Asian, 0.019%; no homozygotes.

Submissions (3):

Fulgent Genetics
Classification: Pathogenic for Autosomal recessive nonsyndromic hearing loss 59. Last evaluated: 2024-05-30. Review status: criteria provided, single submitter. Criteria: ACMG Guidelines, 2015. Collection method: clinical testing. Allele origin: germline.

Women's Health and Genetics/Laboratory Corporation of America, LabCorp
Classification: Pathogenic for Autosomal recessive nonsyndromic hearing loss 59. Last evaluated: 2024-05-29. Review status: criteria provided, single submitter. Criteria: LabCorp Variant Classification Summary - May 2015. Collection method: clinical testing. Allele origin: germline.
Comment: Variant summary: PJVK c.1028G>C (p.Cys343Ser) results in a non-conservative amino acid change in the encoded protein sequence. Four of five in-silico tools predict a damaging effect of the variant on protein function. The variant allele was found at a frequency of 1.2e-05 in 1614098 control chromosomes (gnomAD v4.0.0). This frequency is not significantly higher than estimated for a pathogenic variant in PJVK causing Autosomal recessive nonsyndromic hearing loss 59, allowing no conclusion about variant significance. c.1028G>C has been reported in the literature in multiple individuals affected with Autosomal recessive nonsyndromic hearing loss (Mujtaba_2012, Sloan-Heggen_2016) and segregates with disease. These data indicate that the variant is very likely to be associated with disease. To our knowledge, no experimental evidence demonstrating an impact on protein function has been reported. The following publications have been ascertained in the context of this evaluation (PMID: 22617256, 26969326). ClinVar contains an entry for this variant (Variation ID: 2720001). Based on the evidence outlined above, the variant was classified as pathogenic.

Labcorp Genetics (formerly Invitae), Labcorp
Classification: Pathogenic. Last evaluated: 2023-10-04. Review status: criteria provided, single submitter. Criteria: Invitae Variant Classification Sherloc (09022015). Collection method: clinical testing. Allele origin: germline.
Comment: This sequence change replaces cysteine, which is neutral and slightly polar, with serine, which is neutral and polar, at codon 343 of the DFNB59 protein (p.Cys343Ser). This variant is present in population databases (rs569088856, gnomAD 0.01%). This missense change has been observed in individuals with deafness (PMID: 22617256, 35052489). It has also been observed to segregate with disease in related individuals. An algorithm developed to predict the effect of missense changes on protein structure and function (PolyPhen-2) suggests that this variant is likely to be disruptive. For these reasons, this variant has been classified as Pathogenic.

Literature cited by the submitters: PubMed 26969326 (cited by Women's Health and Genetics/Laboratory Corporation of America, LabCorp); PubMed 22617256 (cited by Women's Health and Genetics/Laboratory Corporation of America, LabCorp and Labcorp Genetics (formerly Invitae), Labcorp); PubMed 35052489 (cited by Labcorp Genetics (formerly Invitae), Labcorp).